The following is an entry in ClinVar:

NM_004360.5(CDH1):c.1321-19C>T

Gene: CDH1 (cadherin 1; plus strand). Cytogenetic location: 16q22.1.
Variant type: single nucleotide variant.
Coding change: c.1321-19C>T on transcript NM_004360.5 (MANE Select); 19 bases into the intron before coding-DNA position 1321, C replaced by T.
Molecular consequence: intron variant.
Genome position (GRCh38, 1-based): chr16:68,815,496, C>T. VCF-style: chr16-68815496-C-T. GRCh37 (hg19) VCF-style: chr16-68849399-C-T.
Other names: c.-228-19C>T (NM_001317185.2); c.-499-19C>T (NM_001317186.2); c.1138-19C>T (NM_001317184.2).
Identifiers: ClinVar variation 1557758 (VCV001557758.9), dbSNP rs202163839, ClinGen allele CA283308153.

ClinVar aggregate classification (germline): Likely benign. Review status: criteria provided, multiple submitters, no conflicts (2 of 4 stars). 2 submissions from 2 submitters: Likely benign (2). Last evaluated 2025-07-30.

Conditions:
Hereditary diffuse gastric adenocarcinoma (HDGC). Also called: DIFFUSE GASTRIC AND LOBULAR BREAST CANCER SYNDROME. Identifiers: Orphanet 26106, MedGen C1708349, MONDO:0007648, OMIM 137215.

Allele frequency attached by ClinVar (database versions not stated): gnomAD exomes below 0.00001.
gnomAD v4.1: 7 of 1,614,024 alleles (0.00043%); highest among the groups gnomAD compares: Non-Finnish European, 0.00051%; no homozygotes.

Submissions (2):

Labcorp Genetics (formerly Invitae), Labcorp
Classification: Likely benign for Hereditary diffuse gastric adenocarcinoma. Last evaluated: 2025-07-30. Review status: criteria provided, single submitter. Criteria: Invitae Variant Classification Sherloc (09022015). Collection method: clinical testing. Allele origin: germline.

Myriad Genetics, Inc.
Classification: Likely benign for Hereditary diffuse gastric adenocarcinoma. Last evaluated: 2024-09-18. Review status: criteria provided, single submitter. Criteria: Myriad Autosomal Dominant, Autosomal Recessive and X-Linked Classification Criteria (2023). Collection method: clinical testing. Allele origin: unknown.
Comment: This variant is considered likely benign. This variant is intronic and is not expected to impact mRNA splicing.